The following is an entry in ClinVar:

ClinVar aggregate classification (germline): Uncertain significance (1 of 4 stars; one submission).

Conditions:
Hereditary cancer-predisposing syndrome. Also called: Tumor predisposition; Hereditary Cancer Syndrome; Hereditary neoplastic syndrome; Neoplastic Syndromes, Hereditary. Identifiers: Orphanet 140162, MedGen C0027672, MeSH D009386, MONDO:0015356.

Submission:

Ambry Genetics
Classification: Uncertain significance for Hereditary cancer-predisposing syndrome. Last evaluated: 2024-03-27. Review status: criteria provided, single submitter. Criteria: Ambry Variant Classification Scheme 2023. Collection method: clinical testing. Allele origin: germline.
Comment: The p.R1071G variant (also known as c.3211A>G), located in coding exon 19 of the DICER1 gene, results from an A to G substitution at nucleotide position 3211. The arginine at codon 1071 is replaced by glycine, an amino acid with dissimilar properties. This amino acid position is conserved. In addition, this alteration is predicted to be deleterious by in silico analysis. Based on the available evidence, the clinical significance of this alteration remains unclear.

NM_177438.3(DICER1):c.3211A>G (p.Arg1071Gly)

Gene: DICER1 (dicer 1, ribonuclease III; minus strand). Cytogenetic location: 14q32.13.
Variant type: single nucleotide variant.
Coding change: c.3211A>G on transcript NM_177438.3 (MANE Select); coding-DNA position 3211, A replaced by G.
Protein change: p.Arg1071Gly; replaces arginine 1071 with glycine.
Molecular consequence: missense variant. On other transcripts: non-coding transcript variant (6).
Genome position (GRCh38, 1-based): chr14:95,105,129, T>C on the plus strand (A>G on the coding strand, the complement: DICER1 is on the minus strand). VCF-style: chr14-95105129-T-C. GRCh37 (hg19) VCF-style: chr14-95571466-T-C.
Other names: c.3211A>G, p.Arg1071Gly (NM_001195573.1, NM_001271282.3, NM_001291628.2 and 12 more transcripts); c.2929A>G, p.Arg977Gly (NM_001395686.1); c.2806A>G, p.Arg936Gly (NM_001395687.1, NM_001395688.1, NM_001395689.1 and 2 more transcripts); c.2644A>G, p.Arg882Gly (NM_001395691.1); c.1528A>G, p.Arg510Gly (NM_001395697.1); short protein forms R936G, R1071G, R510G, R882G, R977G.
Identifiers: ClinVar variation 3271990 (VCV003271990.1).